The following is an entry in ClinVar:

NM_031229.4(RBCK1):c.550G>A (p.Gly184Arg)

Gene: RBCK1 (RANBP2-type and C3HC4-type zinc finger containing 1; plus strand). Cytogenetic location: 20p13.
Variant type: single nucleotide variant.
Coding change: c.550G>A on transcript NM_031229.4 (MANE Select); coding-DNA position 550, G replaced by A.
Protein change: p.Gly184Arg; replaces glycine 184 with arginine.
Molecular consequence: missense variant. On other transcripts: synonymous variant (2), non-coding transcript variant (1).
Genome position (GRCh38, 1-based): chr20:419,436, G>A. VCF-style: chr20-419436-G-A. GRCh37 (hg19) VCF-style: chr20-400080-G-A.
Other names: c.201G>A, p.Gly67= (NM_001323956.2, NM_001323958.2); c.424G>A, p.Gly142Arg (NM_006462.6); c.550G>A (NM_031229.2); short protein forms G184R, G142R.
Identifiers: ClinVar variation 646669 (VCV000646669.9), dbSNP rs147407444, ClinGen allele CA9723120.

ClinVar aggregate classification (germline): Uncertain significance. Review status: criteria provided, multiple submitters, no conflicts (2 of 4 stars). 3 submissions from 3 submitters: Uncertain significance (3). Last evaluated 2025-08-29.

Conditions:
Inborn genetic diseases. Identifiers: MedGen C0950123, MeSH D030342.
Polyglucosan body myopathy type 1 (PGBM1). Also called: Polyglucosan body myopathy 1 with or without immunodeficiency; POLYGLUCOSAN BODY MYOPATHY WITHOUT IMMUNODEFICIENCY. Identifiers: Orphanet 329173, Orphanet 397937, MedGen C4014605, MONDO:0014389, OMIM 615895.

Allele frequency attached by ClinVar (database versions not stated): gnomAD exomes 0.00003 and 0.00007; ExAC 0.00008; ESP Exome Variant Server 0.00023; gnomAD 0.00031 and 0.00034; TOPMed 0.00034; 1000 Genomes Project 30x 0.00047; 1000 Genomes Project 0.00060.
gnomAD v4.1: 87 of 1,609,186 alleles (0.0054%); highest among the groups gnomAD compares: African/African-American, 0.11%; no homozygotes.

Submissions (3):

Ambry Genetics
Classification: Uncertain significance for Inborn genetic diseases. Last evaluated: 2025-08-29. Review status: criteria provided, single submitter. Criteria: Ambry Variant Classification Scheme 2023. Collection method: clinical testing. Allele origin: germline.

Labcorp Genetics (formerly Invitae), Labcorp
Classification: Uncertain significance for Polyglucosan body myopathy type 1. Last evaluated: 2023-12-07. Review status: criteria provided, single submitter. Criteria: Invitae Variant Classification Sherloc (09022015). Collection method: clinical testing. Allele origin: germline.
Comment: This sequence change replaces glycine, which is neutral and non-polar, with arginine, which is basic and polar, at codon 184 of the RBCK1 protein (p.Gly184Arg). This variant is present in population databases (rs147407444, gnomAD 0.08%). This variant has not been reported in the literature in individuals affected with RBCK1-related conditions. ClinVar contains an entry for this variant (Variation ID: 646669). Advanced modeling of protein sequence and biophysical properties (such as structural, functional, and spatial information, amino acid conservation, physicochemical variation, residue mobility, and thermodynamic stability) performed at Invitae indicates that this missense variant is not expected to disrupt RBCK1 protein function with a negative predictive value of 80%. In summary, the available evidence is currently insufficient to determine the role of this variant in disease. Therefore, it has been classified as a Variant of Uncertain Significance.

Revvity Omics, Revvity
Classification: Uncertain significance for Polyglucosan body myopathy type 1. Last evaluated: 2023-08-23. Review status: criteria provided, single submitter. Criteria: ACMG Guidelines, 2015. Collection method: clinical testing. Allele origin: germline.